The following is an entry in ClinVar:

ClinVar aggregate classification (germline): Uncertain significance. Review status: criteria provided, multiple submitters, no conflicts (2 of 4 stars). 2 submissions from 2 submitters: Uncertain significance (2). Last evaluated 2023-11-27.

Conditions:
Neuronal ceroid lipofuscinosis. Also called: Neuronal Ceroid Lipofuscinoses. Identifiers: Orphanet 216, Orphanet 79263, MedGen C0027877, MONDO:0016295. Disease mechanism: loss of function.

Allele frequency attached by ClinVar (database versions not stated): gnomAD exomes below 0.00001; ExAC 0.00001; TOPMed 0.00001.

Submissions (2):

Labcorp Genetics (formerly Invitae), Labcorp
Classification: Uncertain significance for Neuronal ceroid lipofuscinosis. Last evaluated: 2023-11-27. Review status: criteria provided, single submitter. Criteria: Invitae Variant Classification Sherloc (09022015). Collection method: clinical testing. Allele origin: germline.
Comment: This sequence change replaces aspartic acid, which is acidic and polar, with glycine, which is neutral and non-polar, at codon 3 of the DNAJC5 protein (p.Asp3Gly). This variant is present in population databases (rs755410138, gnomAD 0.0008%). This variant has not been reported in the literature in individuals affected with DNAJC5-related conditions. ClinVar contains an entry for this variant (Variation ID: 1699575). An algorithm developed to predict the effect of missense changes on protein structure and function (PolyPhen-2) suggests that this variant is likely to be tolerated. In summary, the available evidence is currently insufficient to determine the role of this variant in disease. Therefore, it has been classified as a Variant of Uncertain Significance.

GeneDx
Classification: Uncertain significance. Last evaluated: 2022-01-31. Review status: criteria provided, single submitter. Criteria: GeneDx Variant Classification Process June 2021. Collection method: clinical testing. Allele origin: germline. Affected: yes.
Comment: Not observed at significant frequency in large population cohorts (gnomAD); In silico analysis supports that this missense variant does not alter protein structure/function; Has not been previously published as pathogenic or benign to our knowledge

NM_025219.3(DNAJC5):c.8A>G (p.Asp3Gly)

Gene: DNAJC5 (DnaJ heat shock protein family (Hsp40) member C5; plus strand). Cytogenetic location: 20q13.33.
Variant type: single nucleotide variant.
Coding change: c.8A>G on transcript NM_025219.3 (MANE Select); coding-DNA position 8, A replaced by G.
Protein change: p.Asp3Gly; replaces aspartic acid 3 with glycine.
Molecular consequence: missense variant.
Genome position (GRCh38, 1-based): chr20:63,928,353, A>G. VCF-style: chr20-63928353-A-G. GRCh37 (hg19) VCF-style: chr20-62559706-A-G.
Other names: short protein forms D3G.
Identifiers: ClinVar variation 1699575 (VCV001699575.5), dbSNP rs755410138, ClinGen allele CA9969621.
Genomic context (GRCh38, chr20:63,928,353, plus strand): 5'-CATCTATACTTTGTGATACTTTCTTTTTATTTTTTCTTCTAGAATAGCCTAACATGGCAG[A>G]CCAGAGACAGCGCTCACTGTCTACCTCTGGGGAGTCATTGTACCACGTCCTTGGGTTGGA-3'
Protein context (NP_079495.1, residues 1-13): MA[Asp3Gly]QRQRSLSTSG